The following is an entry in ClinVar:

NM_001258392.3(CLPB):c.1489G>A (p.Asp497Asn)

Gene: CLPB (ClpB family mitochondrial disaggregase; minus strand). Cytogenetic location: 11q13.4.
Variant type: single nucleotide variant.
Coding change: c.1489G>A on transcript NM_001258392.3 (MANE Select); coding-DNA position 1489, G replaced by A.
Protein change: p.Asp497Asn; replaces aspartic acid 497 with asparagine.
Molecular consequence: missense variant.
Genome position (GRCh38, 1-based): chr11:72,294,691, C>T on the plus strand (G>A on the coding strand, the complement: CLPB is on the minus strand). VCF-style: chr11-72294691-C-T. GRCh37 (hg19) VCF-style: chr11-72005735-C-T.
Other names: c.1402G>A, p.Asp468Asn (NM_001258393.3); c.1444G>A, p.Asp482Asn (NM_001258394.3); c.1579G>A, p.Asp527Asn (NM_030813.6); short protein forms D468N, D482N, D497N, D527N.
Identifiers: ClinVar variation 1983624 (VCV001983624.4), dbSNP rs918777173, ClinGen allele CA224386011.

ClinVar aggregate classification (germline): Uncertain significance (1 of 4 stars; one submission).

Conditions:
3-methylglutaconic aciduria, type VIIB (MGCA7B). Also called: 3-methylglutaconic aciduria with cataracts, neurologic involvement and neutropenia; 3-methylglutaconic aciduria, type VII, with cataracts, neurologic involvement and neutropenia; CLPB Deficiency. Identifiers: Orphanet 445038, MedGen C5676893, MONDO:0014561, OMIM 616271.

Submission:

Labcorp Genetics (formerly Invitae), Labcorp
Classification: Uncertain significance for 3-methylglutaconic aciduria, type VIIB. Last evaluated: 2025-12-09. Review status: criteria provided, single submitter. Criteria: Invitae Variant Classification Sherloc (09022015). Collection method: clinical testing. Allele origin: germline.
Comment: This sequence change replaces aspartic acid, which is acidic and polar, with asparagine, which is neutral and polar, at codon 527 of the CLPB protein (p.Asp527Asn). This variant is not present in population databases (gnomAD no frequency). This variant has not been reported in the literature in individuals affected with CLPB-related conditions. ClinVar contains an entry for this variant (Variation ID: 1983624). An algorithm developed to predict the effect of missense changes on protein structure and function (PolyPhen-2) suggests that this variant is likely to be tolerated. In summary, the available evidence is currently insufficient to determine the role of this variant in disease. Therefore, it has been classified as a Variant of Uncertain Significance.